The following is an entry in ClinVar:

ClinVar aggregate classification (germline): Uncertain significance (1 of 4 stars; one submission).

Allele frequency attached by ClinVar (database versions not stated): gnomAD exomes below 0.00001.
gnomAD v4.1: 1 of 1,613,534 alleles (0.000062%); highest among the groups gnomAD compares: Admixed American, 0.0017%; no homozygotes.

Submission:

Labcorp Genetics (formerly Invitae), Labcorp
Classification: Uncertain significance. Last evaluated: 2022-05-17. Review status: criteria provided, single submitter. Criteria: Invitae Variant Classification Sherloc (09022015). Collection method: clinical testing. Allele origin: germline.
Comment: This sequence change replaces isoleucine, which is neutral and non-polar, with asparagine, which is neutral and polar, at codon 1225 of the CNGB1 protein (p.Ile1225Asn). This variant is not present in population databases (gnomAD no frequency). This variant has not been reported in the literature in individuals affected with CNGB1-related conditions. Algorithms developed to predict the effect of missense changes on protein structure and function are either unavailable or do not agree on the potential impact of this missense change (SIFT: "Deleterious"; PolyPhen-2: "Possibly Damaging"; Align-GVGD: "Class C0"). In summary, the available evidence is currently insufficient to determine the role of this variant in disease. Therefore, it has been classified as a Variant of Uncertain Significance.

NM_001297.5(CNGB1):c.3674T>A (p.Ile1225Asn)

Gene: CNGB1 (cyclic nucleotide gated channel subunit beta 1; minus strand). Cytogenetic location: 16q21.
Variant type: single nucleotide variant.
Coding change: c.3674T>A on transcript NM_001297.5 (MANE Select); coding-DNA position 3674, T replaced by A.
Protein change: p.Ile1225Asn; replaces isoleucine 1225 with asparagine.
Molecular consequence: missense variant.
Genome position (GRCh38, 1-based): chr16:57,884,246, A>T on the plus strand (T>A on the coding strand, the complement: CNGB1 is on the minus strand). VCF-style: chr16-57884246-A-T. GRCh37 (hg19) VCF-style: chr16-57918150-A-T.
Other names: c.3656T>A, p.Ile1219Asn (NM_001286130.2); short protein forms I1219N, I1225N.
Identifiers: ClinVar variation 1938932 (VCV001938932.5), dbSNP rs1045278021, ClinGen allele CA281605135.